The following is an entry in ClinVar:

NM_000277.3(PAH):c.796A>C (p.Thr266Pro)

Gene: PAH (phenylalanine hydroxylase; minus strand). Cytogenetic location: 12q23.2.
Variant type: single nucleotide variant.
Coding change: c.796A>C on transcript NM_000277.3 (MANE Select); coding-DNA position 796, A replaced by C.
Protein change: p.Thr266Pro; replaces threonine 266 with proline.
Molecular consequence: missense variant.
Genome position (GRCh38, 1-based): chr12:102,852,861, T>G on the plus strand (A>C on the coding strand, the complement: PAH is on the minus strand). VCF-style: chr12-102852861-T-G. GRCh37 (hg19) VCF-style: chr12-103246639-T-G.
Other names: NM_000277.2(PAH):c.796A>C; c.796A>C, p.Thr266Pro (NM_001354304.2); short protein forms T266P.
Identifiers: ClinVar variation 120286 (VCV000120286.3), dbSNP rs62508752, ClinGen allele CA267673.

ClinVar aggregate classification (germline): Likely pathogenic. Review status: reviewed by expert panel (3 of 4 stars). 2 submissions from 2 submitters: Likely pathogenic (1). 1 of the submissions does not count toward it. Last evaluated 2018-12-10.

Conditions:
Phenylketonuria (PKU). Also called: Phenylketonuria (PKU); FOLLING DISEASE; OLIGOPHRENIA PHENYLPYRUVICA; Phenylketonurias. Identifiers: Orphanet 716, MedGen C0031485, MONDO:0009861, OMIM 261600. Disease mechanism: loss of function.

Allele frequency attached by ClinVar (database versions not stated): TOPMed below 0.00001.

Submissions (2):

ClinGen PAH Variant Curation Expert Panel
Classification: Likely pathogenic for Phenylketonuria. Last evaluated: 2018-12-10. Review status: reviewed by expert panel. Criteria: ClinGen PAH ACMG Specifications v1. Collection method: curation. Allele origin: germline. Inheritance: Autosomal recessive inheritance.
Comment: The c.796A>C (p.Thr266Pro) variant in PAH is reported in 1 classic PKU patient with BH4 deficiency excluded. (PMID: 26666653, 23430918) It was detected with p.V190A, which is interpreted as pathogenic by our PAH VCEP. (PMID: 23430918) This variant is absent from ExAC, gnomAD, 1000G, and ESP. It is predicted deleterious in SIFT, Polyphen-2, MutationTaster, and REVEL=0.98. In summary, this variant meets criteria to be classified as likely pathogenic for PAH. PAH-specific ACMG/AMP criteria applied: PM2, PP4_Moderate, PM3, PP3.

Inserm U 954, Faculté de Médecine de Nancy
Classification: Likely pathogenic for Phenylketonuria. Review status: no assertion criteria provided. Collection method: not provided. Allele origin: unknown. Not counted in ClinVar's aggregate classification.
ClinVar note: Converted during submission from probable-pathogenic to Likely pathogenic.

Literature cited by the submitters: PubMed 23430918 (cited by ClinGen PAH Variant Curation Expert Panel); PubMed 26666653 (cited by ClinGen PAH Variant Curation Expert Panel).